The following is an entry in ClinVar:

NC_000016.9:g.(?_2546130)_(2550979_?)dup

Gene: TBC1D24 (TBC1 domain family member 24; plus strand). Cytogenetic location: 16p13.3.
Variant type: Duplication.
Identifiers: ClinVar variation 655213 (VCV000655213.1).

ClinVar aggregate classification (germline): Uncertain significance (1 of 4 stars; one submission).

Conditions:
Caused by mutation in the TBC1 domain family, member 24.
Autosomal dominant nonsyndromic hearing loss 65. Also called: Deafness, autosomal dominant 65; TBC1D24-Related Autosomal Dominant Nonsyndromic Hearing Loss (DFNA). Identifiers: Orphanet 90635, MedGen C3892048, MONDO:0014470, OMIM 616044.
Developmental and epileptic encephalopathy, 1 (DEE1). Also called: Epileptic encephalopathy, early infantile, 1; X-linked infantile spasms; West's syndrome; Tonic spasms with clustering, arrest of psychomotor development and hypsarrhythmia on EEG; X-Linked Infantile Spasm Syndrome; OHTAHARA SYNDROME, X-LINKED. Identifiers: MedGen C3463992, MONDO:0010632, OMIM 308350. Disease mechanism: loss of function.

Submission:

Labcorp Genetics (formerly Invitae), Labcorp
Classification: Uncertain significance for Caused by mutation in the TBC1 domain family, member 24; Epileptic encephalopathy, early infantile, 1; Autosomal dominant nonsyndromic hearing loss 65. Last evaluated: 2018-09-17. Review status: criteria provided, single submitter. Criteria: Invitae Variant Classification Sherloc (09022015). Collection method: clinical testing. Allele origin: germline.
Comment: This variant results in a copy number gain of the genomic region encompassing the full coding sequence of the TBC1D24 gene. The boundaries of this event are unknown as they extend beyond the assayed region for this gene and therefore may encompass additional genes. As the precise location of this event is unknown, it may be in tandem or it may be located elsewhere in the genome. This variant has not been reported in the literature in individuals with TBC1D24-related disease. Experimental studies are not available for this variant, and the functional significance of a copy number gain of this gene is currently unknown. In summary, the available evidence is currently insufficient to determine the role of this variant in disease. Therefore, it has been classified as a Variant of Uncertain Significance.